The following is an entry in ClinVar:

ClinVar aggregate classification (germline): Uncertain significance (1 of 4 stars; one submission).

Allele frequency attached by ClinVar (database versions not stated): gnomAD 0.00001.

Submission:

Labcorp Genetics (formerly Invitae), Labcorp
Classification: Uncertain significance. Last evaluated: 2023-09-30. Review status: criteria provided, single submitter. Criteria: Invitae Variant Classification Sherloc (09022015). Collection method: clinical testing. Allele origin: germline.
Comment: This sequence change falls in intron 4 of the GNAT1 gene. It does not directly change the encoded amino acid sequence of the GNAT1 protein. This variant is present in population databases (rs761796062, gnomAD 0.01%). This variant has not been reported in the literature in individuals affected with GNAT1-related conditions. Algorithms developed to predict the effect of sequence changes on RNA splicing suggest that this variant may create or strengthen a splice site. In summary, the available evidence is currently insufficient to determine the role of this variant in disease. Therefore, it has been classified as a Variant of Uncertain Significance.

NM_144499.3(GNAT1):c.450-18C>G

Gene: GNAT1 (G protein subunit alpha transducin 1; plus strand). Cytogenetic location: 3p21.31.
Variant type: single nucleotide variant.
Coding change: c.450-18C>G on transcript NM_144499.3 (MANE Select); 18 bases into the intron before coding-DNA position 450, C replaced by G.
Molecular consequence: intron variant.
Genome position (GRCh38, 1-based): chr3:50,193,735, C>G. VCF-style: chr3-50193735-C-G. GRCh37 (hg19) VCF-style: chr3-50231168-C-G.
Other names: c.450-18C>G (NM_000172.4).
Identifiers: ClinVar variation 2804483 (VCV002804483.3), dbSNP rs761796062, ClinGen allele CA2412600.